The following is an entry in ClinVar:

ClinVar aggregate classification (germline): Benign. Review status: criteria provided, multiple submitters, no conflicts (2 of 4 stars). 2 submissions from 2 submitters: Benign (2). Last evaluated 2026-09-01.

Allele frequency attached by ClinVar (database versions not stated): gnomAD 0.00004 and 0.00033; TOPMed 0.00007; gnomAD exomes 0.00060 and 0.00123; ExAC 0.00134; 1000 Genomes Project 30x 0.00141; 1000 Genomes Project 0.00180.

Submissions (2):

CeGaT Center for Human Genetics Tuebingen
Classification: Benign. Last evaluated: 2026-09-01. Review status: criteria provided, single submitter. Criteria: CeGaT Center For Human Genetics Tuebingen Variant Classification Criteria Version 2. Collection method: clinical testing. Allele origin: germline. Affected: yes. Observed: 2 variant alleles.
Comment: MAP1B: BP4, BP7, BS1, BS2

Labcorp Genetics (formerly Invitae), Labcorp
Classification: Benign. Last evaluated: 2018-06-26. Review status: criteria provided, single submitter. Criteria: Invitae Variant Classification Sherloc (09022015). Collection method: clinical testing. Allele origin: germline.

NM_005909.5(MAP1B):c.3297C>T (p.Thr1099=)

Gene: MAP1B (microtubule associated protein 1B; plus strand). Cytogenetic location: 5q13.2.
Variant type: single nucleotide variant.
Coding change: c.3297C>T on transcript NM_005909.5 (MANE Select); coding-DNA position 3297, C replaced by T.
Protein change: p.Thr1099=; no amino-acid change (threonine 1099 retained).
Molecular consequence: synonymous variant.
Genome position (GRCh38, 1-based): chr5:72,196,652, C>T. VCF-style: chr5-72196652-C-T. GRCh37 (hg19) VCF-style: chr5-71492479-C-T.
Other names: c.2919C>T, p.Thr973= (NM_001324255.2).
Identifiers: ClinVar variation 726499 (VCV000726499.7), dbSNP rs372054361, ClinGen allele CA3298973.